The following is an entry in ClinVar:

NM_001303052.2(MYT1L):c.1023C>T (p.Leu341=)

Gene: MYT1L (myelin transcription factor 1 like; minus strand). Cytogenetic location: 2p25.3.
Variant type: single nucleotide variant.
Coding change: c.1023C>T on transcript NM_001303052.2 (MANE Select); coding-DNA position 1023, C replaced by T.
Protein change: p.Leu341=; no amino-acid change (leucine 341 retained).
Molecular consequence: synonymous variant.
Genome position (GRCh38, 1-based): chr2:1,922,746, G>A on the plus strand (C>T on the coding strand, the complement: MYT1L is on the minus strand). VCF-style: chr2-1922746-G-A. GRCh37 (hg19) VCF-style: chr2-1926518-G-A.
Other names: c.1023C>T, p.Leu341= (NM_001329844.2, NM_001329845.1, NM_001329846.3 and 6 more transcripts).
Identifiers: ClinVar variation 3036756 (VCV003036756.2), dbSNP rs371812686, ClinGen allele CA1514315.

ClinVar aggregate classification (germline): Likely benign (0 of 4 stars; one submission).

Conditions:
MYT1L-related disorder. Also called: MYT1L-related condition.

Allele frequency attached by ClinVar (database versions not stated): ExAC 0.00007; gnomAD 0.00007; TOPMed 0.00007; ESP Exome Variant Server 0.00024.
gnomAD v4.1: 234 of 1,613,816 alleles (0.014%); highest among the groups gnomAD compares: Non-Finnish European, 0.019%; no homozygotes.

Submission:

PreventionGenetics, part of Exact Sciences
Classification: Likely benign for MYT1L-related condition. Last evaluated: 2021-07-12. Review status: no assertion criteria provided. Collection method: clinical testing. Allele origin: germline.
Comment: This variant is classified as likely benign based on ACMG/AMP sequence variant interpretation guidelines (Richards et al. 2015 PMID: 25741868, with internal and published modifications).